The following is an entry in ClinVar:

NM_000492.4(CFTR):c.3868C>A (p.Pro1290Thr)

Genes: CFTR (CF transmembrane conductance regulator; plus strand), CFTR-AS2 (CFTR antisense RNA 2; minus strand). Cytogenetic location: 7q31.2.
Variant type: single nucleotide variant.
Coding change: c.3868C>A on transcript NM_000492.4 (MANE Select); coding-DNA position 3868, C replaced by A.
Protein change: p.Pro1290Thr; replaces proline 1290 with threonine.
Molecular consequence: missense variant.
Genome position (GRCh38, 1-based): chr7:117,642,588, C>A. VCF-style: chr7-117642588-C-A. GRCh37 (hg19) VCF-style: chr7-117282642-C-A.
Other names: short protein forms P1290T.
Identifiers: ClinVar variation 633158 (VCV000633158.8), dbSNP rs397508619, ClinGen allele CA4451560.

ClinVar aggregate classification (germline): Uncertain significance. Review status: criteria provided, multiple submitters, no conflicts (2 of 4 stars). 3 submissions from 3 submitters: Uncertain significance (3). Last evaluated 2025-10-28.

Conditions:
Cystic fibrosis (CF). Also called: MUCOVISCIDOSIS. Identifiers: Orphanet 586, MedGen C0010674, MONDO:0009061, OMIM 219700. Disease mechanism: loss of function.

Allele frequency attached by ClinVar (database versions not stated): gnomAD 0.00001; gnomAD exomes below 0.00001; ExAC 0.00001.
gnomAD v4.1: 13 of 1,613,132 alleles (0.00081%); highest among the groups gnomAD compares: Admixed American, 0.0033%; no homozygotes.

Submissions (3):

Women's Health and Genetics/Laboratory Corporation of America, LabCorp
Classification: Uncertain significance. Last evaluated: 2025-10-28. Review status: criteria provided, single submitter. Criteria: LabCorp Variant Classification Summary - May 2015. Collection method: clinical testing. Allele origin: germline.
Comment: Variant summary: CFTR c.3868C>A (p.Pro1290Thr) results in a non-conservative amino acid change located in the ABC transporter-like, ATP-binding domain (IPR003439) of the encoded protein sequence. Algorithms developed to predict the effect of missense changes on protein structure and function all suggest that this variant is likely to be disruptive. The variant allele was found at a frequency of 8.2e-06 in 366640 control chromosomes. The available data on variant occurrences in the general population are insufficient to allow any conclusion about variant significance. c.3868C>A has been observed in an asymptomatic individual (Claustres_2017). At least one publication reports experimental evidence evaluating an impact on protein function. These results showed no damaging effect of this variant (Da Paula_2010). The following publications have been ascertained in the context of this evaluation (PMID: 28603918, 20551307, 16126774, 19897426, 25735457). ClinVar contains an entry for this variant (Variation ID: 633158). Based on the evidence outlined above, the variant was classified as uncertain significance.

Ambry Genetics
Classification: Uncertain significance for Cystic fibrosis. Last evaluated: 2025-06-26. Review status: criteria provided, single submitter. Criteria: Ambry Variant Classification Scheme 2023. Collection method: clinical testing. Allele origin: germline.
Comment: The p.P1290T variant (also known as c.3868C>A), located in coding exon 23 of the CFTR gene, results from a C to A substitution at nucleotide position 3868. The proline at codon 1290 is replaced by threonine, an amino acid with highly similar properties. This amino acid position is well conserved in available vertebrate species. In addition, the in silico prediction for this alteration is inconclusive. Based on the available evidence, the clinical significance of this variant remains unclear.

Labcorp Genetics (formerly Invitae), Labcorp
Classification: Uncertain significance for Cystic fibrosis. Last evaluated: 2022-07-19. Review status: criteria provided, single submitter. Criteria: Invitae Variant Classification Sherloc (09022015). Collection method: clinical testing. Allele origin: germline.
Comment: This sequence change replaces proline, which is neutral and non-polar, with threonine, which is neutral and polar, at codon 1290 of the CFTR protein (p.Pro1290Thr). This variant is present in population databases (rs397508619, gnomAD 0.002%). This variant has not been reported in the literature in individuals affected with CFTR-related conditions. ClinVar contains an entry for this variant (Variation ID: 633158). Algorithms developed to predict the effect of missense changes on protein structure and function output the following: SIFT: "Tolerated"; PolyPhen-2: "Benign"; Align-GVGD: "Class C0". The threonine amino acid residue is found in multiple mammalian species, which suggests that this missense change does not adversely affect protein function. Experimental studies have shown that this missense change does not substantially affect CFTR function (PMID: 20551307). In summary, the available evidence is currently insufficient to determine the role of this variant in disease. Therefore, it has been classified as a Variant of Uncertain Significance.

Literature cited by the submitters: PubMed 16126774 (cited by Women's Health and Genetics/Laboratory Corporation of America, LabCorp and Ambry Genetics); PubMed 19897426 (cited by Women's Health and Genetics/Laboratory Corporation of America, LabCorp and Ambry Genetics); PubMed 20551307 (cited by 3 submitters); PubMed 25735457 (cited by Women's Health and Genetics/Laboratory Corporation of America, LabCorp and Ambry Genetics); PubMed 28603918 (cited by Women's Health and Genetics/Laboratory Corporation of America, LabCorp and Ambry Genetics).